The following is an entry in ClinVar:

ClinVar aggregate classification (germline): Pathogenic (1 of 4 stars; one submission).

Conditions:
Developmental and epileptic encephalopathy. Identifiers: MedGen C5779964, MONDO:0100620.

Submission:

Labcorp Genetics (formerly Invitae), Labcorp
Classification: Pathogenic for Early-infantile DEE. Last evaluated: 2021-01-17. Review status: criteria provided, single submitter. Criteria: Invitae Variant Classification Sherloc (09022015). Collection method: clinical testing. Allele origin: germline.
Comment: For these reasons, this variant has been classified as Pathogenic. This variant disrupts the C-terminus of the SCN1A protein. Other variant(s) that disrupt this region (p.Arg1912*) have been determined to be pathogenic (PMID: 14738421, 23195492, 20522430, Invitae). This suggests that variants that disrupt this region of the protein are likely to be causative of disease. This variant has been observed in individual(s) with Dravet syndrome (PMID: 29188601). This variant is a gross deletion of the genomic region encompassing exon(s) 12-26 of the SCN1A gene. The 5' boundary is likely confined to intron 11. The 3' end of this event is unknown as it extends through the termination codon beyond the assayed region for this gene and may encompass additional genes. While this deletion is not anticipated to lead to nonsense mediated decay, it is expected to alter mRNA translation or result in a truncated protein product.

Literature cited by the submitters: PubMed 14738421; PubMed 23195492; PubMed 20522430; PubMed 29188601.

NC_000002.11:g.(?_166847755)_(166898954_?)del

Gene: SCN1A (sodium voltage-gated channel alpha subunit 1; minus strand). Cytogenetic location: 2q24.3.
Variant type: Deletion.
Identifiers: ClinVar variation 1455369 (VCV001455369.7).